The following is an entry in ClinVar:

ClinVar aggregate classification (germline): Uncertain significance. Review status: criteria provided, multiple submitters, no conflicts (2 of 4 stars). 2 submissions from 2 submitters: Uncertain significance (2). Last evaluated 2025-06-08.

Conditions:
Colorectal cancer, hereditary nonpolyposis, type 7. Identifiers: Orphanet 144, MedGen C1858380, MONDO:0013725, OMIM 614385.

Allele frequency attached by ClinVar (database versions not stated): TOPMed below 0.00001; gnomAD 0.00001; gnomAD exomes 0.00001.
gnomAD v4.1: 8 of 1,612,878 alleles (0.0005%); highest among the groups gnomAD compares: East Asian, 0.0067%; no homozygotes.

Submissions (2):

Labcorp Genetics (formerly Invitae), Labcorp
Classification: Uncertain significance for Colorectal cancer, hereditary nonpolyposis, type 7. Last evaluated: 2025-06-08. Review status: criteria provided, single submitter. Criteria: Invitae Variant Classification Sherloc (09022015). Collection method: clinical testing. Allele origin: germline.
Comment: This sequence change replaces serine, which is neutral and polar, with arginine, which is basic and polar, at codon 783 of the MLH3 protein (p.Ser783Arg). This variant is present in population databases (no rsID available, gnomAD 0.01%). This variant has not been reported in the literature in individuals affected with MLH3-related conditions. ClinVar contains an entry for this variant (Variation ID: 1789931). An algorithm developed to predict the effect of missense changes on protein structure and function outputs the following: PolyPhen-2: "Benign". The arginine amino acid residue is found in multiple mammalian species, which suggests that this missense change does not adversely affect protein function. In summary, the available evidence is currently insufficient to determine the role of this variant in disease. Therefore, it has been classified as a Variant of Uncertain Significance.

Ambry Genetics
Classification: Uncertain significance. Last evaluated: 2024-05-16. Review status: criteria provided, single submitter. Criteria: Ambry Variant Classification Scheme 2023. Collection method: clinical testing. Allele origin: germline.
Comment: The p.S783R variant (also known as c.2347A>C), located in coding exon 1 of the MLH3 gene, results from an A to C substitution at nucleotide position 2347. The serine at codon 783 is replaced by arginine, an amino acid with dissimilar properties. This amino acid position is conserved. In addition, this alteration is predicted to be tolerated by in silico analysis. Since supporting evidence is limited at this time, the clinical significance of this alteration remains unclear.

NM_001040108.2(MLH3):c.2347A>C (p.Ser783Arg)

Gene: MLH3 (mutL homolog 3; minus strand). Cytogenetic location: 14q24.3.
Variant type: single nucleotide variant.
Coding change: c.2347A>C on transcript NM_001040108.2 (MANE Select); coding-DNA position 2347, A replaced by C.
Protein change: p.Ser783Arg; replaces serine 783 with arginine.
Molecular consequence: missense variant.
Genome position (GRCh38, 1-based): chr14:75,047,309, T>G on the plus strand (A>C on the coding strand, the complement: MLH3 is on the minus strand). VCF-style: chr14-75047309-T-G. GRCh37 (hg19) VCF-style: chr14-75514012-T-G.
Other names: c.2347A>C, p.Ser783Arg (NM_014381.3); short protein forms S783R.
Identifiers: ClinVar variation 1789931 (VCV001789931.8), dbSNP rs1489096673, ClinGen allele CA390440900.
Genomic context (GRCh38, chr14:75,047,309, plus strand): 5'-CATCAGAGTTCTCTAAGCGGTTCTTGTCCTTCAGCAGAATGTCAGGTTCAACTTGAAGAC[T>G]GAGATTGGTAGTGACTCCATTACTTTCCTCTACTTCTGTATCCAGAGGATTTTCAACCTT-3'
Protein context (NP_001035197.1, residues 773-793): EESNGVTTNL[Ser783Arg]LQVEPDILLK